The following is an entry in ClinVar:

NM_015509.4(NECAP1):c.562C>A (p.Pro188Thr)

Gene: NECAP1 (NECAP endocytosis associated 1; plus strand). Cytogenetic location: 12p13.31.
Variant type: single nucleotide variant.
Coding change: c.562C>A on transcript NM_015509.4 (MANE Select); coding-DNA position 562, C replaced by A.
Protein change: p.Pro188Thr; replaces proline 188 with threonine.
Molecular consequence: missense variant. On other transcripts: non-coding transcript variant (1).
Genome position (GRCh38, 1-based): chr12:8,092,941, C>A. VCF-style: chr12-8092941-C-A. GRCh37 (hg19) VCF-style: chr12-8245537-C-A.
Other names: short protein forms P188T.
Identifiers: ClinVar variation 1437284 (VCV001437284.5), dbSNP rs775614356, ClinGen allele CA6432301.

ClinVar aggregate classification (germline): Uncertain significance (1 of 4 stars; one submission).

Conditions:
Developmental and epileptic encephalopathy, 21 (DEE21). Also called: Early infantile epileptic encephalopathy 21. Identifiers: Orphanet 442835, MedGen C4014430, MONDO:0014360, OMIM 615833.

Allele frequency attached by ClinVar (database versions not stated): gnomAD exomes 0.00001 and 0.00003; ExAC 0.00003.
gnomAD v4.1: 5 of 1,603,250 alleles (0.00031%); highest among the groups gnomAD compares: Admixed American, 0.0068%; no homozygotes.

Submission:

Labcorp Genetics (formerly Invitae), Labcorp
Classification: Uncertain significance for Developmental and epileptic encephalopathy, 21. Last evaluated: 2022-07-16. Review status: criteria provided, single submitter. Criteria: Invitae Variant Classification Sherloc (09022015). Collection method: clinical testing. Allele origin: germline.
Comment: This sequence change replaces proline, which is neutral and non-polar, with threonine, which is neutral and polar, at codon 188 of the NECAP1 protein (p.Pro188Thr). This variant is present in population databases (rs775614356, gnomAD 0.02%). This variant has not been reported in the literature in individuals affected with NECAP1-related conditions. ClinVar contains an entry for this variant (Variation ID: 1437284). Algorithms developed to predict the effect of missense changes on protein structure and function (SIFT, PolyPhen-2, Align-GVGD) all suggest that this variant is likely to be disruptive. In summary, the available evidence is currently insufficient to determine the role of this variant in disease. Therefore, it has been classified as a Variant of Uncertain Significance.